The following is an entry in ClinVar:

ClinVar aggregate classification (germline): Uncertain significance (1 of 4 stars; one submission).

Submission:

Women's Health and Genetics/Laboratory Corporation of America, LabCorp
Classification: Uncertain significance. Last evaluated: 2026-05-14. Review status: criteria provided, single submitter. Criteria: LabCorp Variant Classification Summary - May 2015. Collection method: clinical testing. Allele origin: germline.
Comment: Variant summary: FLT4 c.1252_1254delGTG (p.Val418del) results in an in-frame deletion that is predicted to remove 1 amino acid from the encoded protein. The variant was absent in 249456 control chromosomes. The available data on variant occurrences in the general population are insufficient to allow any conclusion about variant significance. To our knowledge, no occurrence of c.1252_1254delGTG in individuals affected with FLT4-related conditions and no experimental evidence demonstrating its impact on protein function have been reported. No submitters have cited clinical-significance assessments for this variant to ClinVar. Based on the evidence outlined above, the variant was classified as uncertain significance.

NM_182925.5(FLT4):c.1249GTG[1] (p.Val418del)

Gene: FLT4 (fms related receptor tyrosine kinase 4; minus strand). Cytogenetic location: 5q35.3.
Variant type: Microsatellite.
Coding change: c.1249GTG[1] on transcript NM_182925.5 (MANE Select); one copy of the 3-base unit GTG starting at c.1249; the reference has two copies in a row; one copy, 3 bases deleted.
Protein change: p.Val418del; deletes valine 418.
Molecular consequence: inframe deletion.
Genome position (GRCh38, 1-based): chr5:180,626,115-180,626,117, CAC deleted on the plus strand (GTG on the coding strand, the reverse complement: FLT4 is on the minus strand); deleting any 3 consecutive bases within chr5:180,626,115-180,626,122 gives the same sequence; the position shown is the placement nearest the transcript's 3' end. VCF-style (leftmost placement, unchanged base first): chr5-180626114-TCAC-T. GRCh37 (hg19) VCF-style: chr5-180053114-TCAC-T.
Other names: c.1252_1254delGTG (NM_182925.5); c.1249GTG[1], p.Val418del (NM_001354989.2, NM_002020.5); short protein forms V418del.
Identifiers: ClinVar variation 4853086 (VCV004853086.1).